The following is an entry in ClinVar:

NM_005996.4(TBX3):c.1421C>T (p.Ala474Val)

Gene: TBX3 (T-box transcription factor 3; minus strand). Cytogenetic location: 12q24.21.
Variant type: single nucleotide variant.
Coding change: c.1421C>T on transcript NM_005996.4 (MANE Select); coding-DNA position 1421, C replaced by T.
Protein change: p.Ala474Val; replaces alanine 474 with valine.
Molecular consequence: missense variant.
Genome position (GRCh38, 1-based): chr12:114,674,454, G>A on the plus strand (C>T on the coding strand, the complement: TBX3 is on the minus strand). VCF-style: chr12-114674454-G-A. GRCh37 (hg19) VCF-style: chr12-115112259-G-A.
Other names: c.1481C>T, p.Ala494Val (NM_016569.4); c.1481C>T (NM_016569.3); short protein forms A494V, A474V.
Identifiers: ClinVar variation 4632800 (VCV004632800.2).
Genomic context (GRCh38, chr12:114,674,454, plus strand): 5'-TTGAAGAACTGTTGGCCCGCCAGGCCCGGGGCGAAGCCGAGGCCAGGCAGGGGGCCCTGG[G>A]CCAGGTGCGCGGCGGCCGCGTCCGTCTGCACCGTGAGCGGCGCGAAGGCCTCCTTGCCCG-3'
Protein context (NP_005987.3, residues 464-484): VQTDAAAAHL[Ala474Val]QGPLPGLGFA

ClinVar aggregate classification (germline): Uncertain significance. Review status: criteria provided, multiple submitters, no conflicts (2 of 4 stars). 2 submissions from 2 submitters: Uncertain significance (2). Last evaluated 2026-09-09.

Conditions:
TBX3-related disorder. Also called: TBX3-related condition.
Inborn genetic diseases. Identifiers: MedGen C0950123, MeSH D030342.

Submissions (2):

PreventionGenetics, part of Exact Sciences
Classification: Uncertain significance for TBX3-related condition. Last evaluated: 2026-09-09. Review status: criteria provided, single submitter. Criteria: ACMG Guidelines, 2015. Collection method: clinical testing. Allele origin: germline.
Comment: The TBX3 c.1481C>T variant is predicted to result in the amino acid substitution p.Ala494Val. To our knowledge, this variant has not been reported in the literature. This variant is reported in 0.012% of alleles in individuals of Latino descent in gnomAD. Although we suspect that this variant may be benign, at this time, the clinical significance of this variant is uncertain due to the absence of conclusive functional and genetic evidence.

Ambry Genetics
Classification: Uncertain significance for Inborn genetic diseases. Last evaluated: 2025-09-22. Review status: criteria provided, single submitter. Criteria: Ambry Variant Classification Scheme 2023. Collection method: clinical testing. Allele origin: germline.